The following is an entry in ClinVar:

NM_001365951.3(KIF1B):c.2462del (p.Pro821fs)

Gene: KIF1B (kinesin family member 1B; plus strand). Cytogenetic location: 1p36.22.
Variant type: Deletion.
Coding change: c.2462del on transcript NM_001365951.3 (MANE Select); coding-DNA position 2462, one base deleted (C; older notation c.2462delC).
Protein change: p.Pro821fs; shifts the reading frame from proline 821.
Molecular consequence: frameshift variant.
Genome position (GRCh38, 1-based): chr1:10,323,987, C deleted; the last of 3 consecutive C bases (chr1:10,323,985-10,323,987); deleting any one gives the same sequence. VCF-style (leftmost placement, unchanged base first): chr1-10323984-TC-T. GRCh37 (hg19) VCF-style: chr1-10384042-TC-T.
Other names: c.2462del, p.Pro821fs (NM_001365952.1); c.2324del, p.Pro775fs (NM_015074.3); c.2324delC (NM_015074.3); short protein forms P775fs, P821fs.
Identifiers: ClinVar variation 1789626 (VCV001789626.3), dbSNP rs2521622880, ClinGen allele CA2580060443.

ClinVar aggregate classification (germline): Uncertain significance (1 of 4 stars; one submission).

Submission:

Ambry Genetics
Classification: Uncertain significance. Last evaluated: 2025-09-09. Review status: criteria provided, single submitter. Criteria: Ambry Variant Classification Scheme 2023. Collection method: clinical testing. Allele origin: germline.
Comment: The c.2324delC variant, located in coding exon 22 of the KIF1B gene, results from a deletion of one nucleotide at nucleotide position 2324, causing a translational frameshift with a predicted alternate stop codon (p.P775Lfs*5). This alteration is expected to result in premature protein truncation or nonsense-mediated mRNA decay. However, the gene-disease association for KIF1B is limited. Since supporting evidence is limited at this time, the clinical significance of this alteration remains unclear.